The following is an entry in ClinVar:

NM_001083961.2(WDR62):c.3303G>A (p.Thr1101=)

Gene: WDR62 (WD repeat domain 62; plus strand). Cytogenetic location: 19q13.12.
Variant type: single nucleotide variant.
Coding change: c.3303G>A on transcript NM_001083961.2 (MANE Select); coding-DNA position 3303, G replaced by A.
Protein change: p.Thr1101=; no amino-acid change (threonine 1101 retained).
Molecular consequence: synonymous variant.
Genome position (GRCh38, 1-based): chr19:36,102,819, G>A. VCF-style: chr19-36102819-G-A. GRCh37 (hg19) VCF-style: chr19-36593721-G-A.
Other names: c.3288G>A, p.Thr1096= (NM_173636.5).
Identifiers: ClinVar variation 160281 (VCV000160281.50), dbSNP rs117887683, ClinGen allele CA173927.

ClinVar aggregate classification (germline): Conflicting classifications of pathogenicity. Review status: criteria provided, conflicting classifications (1 of 4 stars). 8 submissions from 8 submitters: Uncertain significance (2); Benign (1); Likely benign (5). Last evaluated 2026-02-01.

Conditions:
Microcephaly 2, primary, autosomal recessive, with or without cortical malformations. Also called: WDR62 Primary Microcephaly; MICROCEPHALY 2, PRIMARY, AUTOSOMAL RECESSIVE, WITH CORTICAL MALFORMATIONS. Identifiers: Orphanet 2512, MedGen C1858535, MONDO:0011435, OMIM 604317.

Allele frequency attached by ClinVar (database versions not stated): 1000 Genomes Project 0.00020; 1000 Genomes Project 30x 0.00031; ExAC 0.00051; gnomAD exomes 0.00063 and 0.00126; TOPMed 0.00065; gnomAD 0.00075 and 0.00078; ESP Exome Variant Server 0.00100.
gnomAD v4.1: 1,921 of 1,614,190 alleles (0.12%); highest among the groups gnomAD compares: Non-Finnish European, 0.15%; 1 homozygote.

Submissions (8):

CeGaT Center for Human Genetics Tuebingen
Classification: Likely benign. Last evaluated: 2026-02-01. Review status: criteria provided, single submitter. Criteria: CeGaT Center For Human Genetics Tuebingen Variant Classification Criteria Version 2. Collection method: clinical testing. Allele origin: germline. Affected: yes. Observed: 4 variant alleles.
Comment: WDR62: BP4, BP7

Labcorp Genetics (formerly Invitae), Labcorp
Classification: Likely benign. Last evaluated: 2025-12-24. Review status: criteria provided, single submitter. Criteria: Invitae Variant Classification Sherloc (09022015). Collection method: clinical testing. Allele origin: germline.

Athena Diagnostics
Classification: Benign. Last evaluated: 2025-01-09. Review status: criteria provided, single submitter. Criteria: Athena Diagnostics Criteria. Collection method: clinical testing. Allele origin: unknown.
Comment: The frequency of this variant in the general population is higher than would generally be expected for pathogenic variants in this gene. Computational tools yielded predictions that this variant is unlikely to have an effect on normal RNA splicing. This nucleotide position exhibits low evolutionary conservation.

Blueprint Genetics
Classification: Likely benign. Last evaluated: 2024-11-20. Review status: criteria provided, single submitter. Criteria: ACMG Guidelines, 2015. Collection method: clinical testing. Allele origin: germline.

GeneDx
Classification: Likely benign. Last evaluated: 2020-08-01. Review status: criteria provided, single submitter. Criteria: GeneDx Variant Classification Process June 2021. Collection method: clinical testing. Allele origin: germline. Affected: yes.

Illumina Laboratory Services, Illumina
Classification: Uncertain significance for Microcephaly 2, primary, autosomal recessive, with or without cortical malformations. Last evaluated: 2018-01-13. Review status: criteria provided, single submitter. Criteria: ICSL Variant Classification Criteria 13 December 2019. Collection method: clinical testing. Allele origin: germline.

Eurofins Ntd Llc (ga)
Classification: Uncertain significance. Last evaluated: 2016-09-09. Review status: criteria provided, single submitter. Criteria: EGL Classification Definitions 2015. Collection method: clinical testing. Allele origin: germline. Observed: 2 variant alleles, 2 heterozygotes.

Genetic Services Laboratory, University of Chicago
Classification: Likely benign. Last evaluated: 2013-10-30. Review status: criteria provided, single submitter. Criteria: ACMG Guidelines, 2007. Collection method: clinical testing. Allele origin: germline. Inheritance: Autosomal recessive inheritance.
Comment: Likely benign based on allele frequency in 1000 Genomes Project or ESP global frequency and its presence in a patient with a rare or unrelated disease phenotype. NOT Sanger confirmed